The following is an entry in ClinVar:

ClinVar aggregate classification (germline): Uncertain significance (1 of 4 stars; one submission).

Conditions:
RAI1-related disorder. Also called: RAI1-related condition.

Submission:

PreventionGenetics, part of Exact Sciences
Classification: Uncertain significance for RAI1-related condition. Last evaluated: 2026-05-21. Review status: criteria provided, single submitter. Criteria: ACMG Guidelines, 2015. Collection method: clinical testing. Allele origin: germline.
Comment: The RAI1 c.1511C>T variant is predicted to result in the amino acid substitution p.Thr504Met. To our knowledge, this variant has not been reported in the literature. This variant is reported in 0.011% of alleles in individuals of East Asian descent in gnomAD. Although we suspect that this variant may be benign, at this time, the clinical significance of this variant is uncertain due to the absence of conclusive functional and genetic evidence.

NM_030665.4(RAI1):c.1511C>T (p.Thr504Met)

Gene: RAI1 (retinoic acid induced 1; plus strand). Cytogenetic location: 17p11.2.
Variant type: single nucleotide variant.
Coding change: c.1511C>T on transcript NM_030665.4 (MANE Select); coding-DNA position 1511, C replaced by T.
Protein change: p.Thr504Met; replaces threonine 504 with methionine.
Molecular consequence: missense variant.
Genome position (GRCh38, 1-based): chr17:17,794,459, C>T. VCF-style: chr17-17794459-C-T. GRCh37 (hg19) VCF-style: chr17-17697773-C-T.
Other names: short protein forms T504M.
Identifiers: ClinVar variation 4994622 (VCV004994622.1).